The following is an entry in ClinVar:

ClinVar aggregate classification (germline): Uncertain significance. Review status: criteria provided, multiple submitters, no conflicts (2 of 4 stars). 2 submissions from 2 submitters: Uncertain significance (2). Last evaluated 2022-12-30.

Allele frequency attached by ClinVar (database versions not stated): gnomAD exomes below 0.00001; ExAC 0.00001; gnomAD 0.00003; TOPMed 0.00007; ESP Exome Variant Server 0.00015.

Submissions (2):

Labcorp Genetics (formerly Invitae), Labcorp
Classification: Uncertain significance. Last evaluated: 2022-12-30. Review status: criteria provided, single submitter. Criteria: Invitae Variant Classification Sherloc (09022015). Collection method: clinical testing. Allele origin: germline.
Comment: In summary, the available evidence is currently insufficient to determine the role of this variant in disease. Therefore, it has been classified as a Variant of Uncertain Significance. Advanced modeling of protein sequence and biophysical properties (such as structural, functional, and spatial information, amino acid conservation, physicochemical variation, residue mobility, and thermodynamic stability) performed at Invitae indicates that this missense variant is not expected to disrupt GABRB1 protein function. This variant has not been reported in the literature in individuals affected with GABRB1-related conditions. This variant is present in population databases (rs148433093, gnomAD 0.01%). This sequence change replaces tyrosine, which is neutral and polar, with cysteine, which is neutral and slightly polar, at codon 414 of the GABRB1 protein (p.Tyr414Cys).

Ambry Genetics
Classification: Uncertain significance. Last evaluated: 2022-02-10. Review status: criteria provided, single submitter. Criteria: Ambry Variant Classification Scheme 2023. Collection method: clinical testing. Allele origin: germline.

NM_000812.4(GABRB1):c.1241A>G (p.Tyr414Cys)

Gene: GABRB1 (gamma-aminobutyric acid type A receptor subunit beta1; plus strand). Cytogenetic location: 4p12.
Variant type: single nucleotide variant.
Coding change: c.1241A>G on transcript NM_000812.4 (MANE Select); coding-DNA position 1241, A replaced by G.
Protein change: p.Tyr414Cys; replaces tyrosine 414 with cysteine.
Molecular consequence: missense variant.
Genome position (GRCh38, 1-based): chr4:47,425,834, A>G. VCF-style: chr4-47425834-A-G. GRCh37 (hg19) VCF-style: chr4-47427851-A-G.
Other names: short protein forms Y414C.
Identifiers: ClinVar variation 1940937 (VCV001940937.6), dbSNP rs148433093, ClinGen allele CA2907786.